The following is an entry in ClinVar:

ClinVar aggregate classification (germline): Benign. Review status: criteria provided, multiple submitters, no conflicts (2 of 4 stars). 7 submissions from 7 submitters: Benign (7). Last evaluated 2026-02-04.

Conditions:
Hereditary pulmonary alveolar proteinosis. Also called: Pulmonary surfactant metabolism dysfunction. Identifiers: Orphanet 264675, MedGen C3711368, MONDO:0012580.
Interstitial lung disease due to ABCA3 deficiency. Also called: PULMONARY ALVEOLAR PROTEINOSIS, CONGENITAL, 3. Identifiers: Orphanet 440402, MedGen C1970456, MONDO:0012582, OMIM 610921.

Allele frequency attached by ClinVar (database versions not stated): gnomAD 0.00932 and 0.00913; ExAC 0.01225; 1000 Genomes Project 0.01278; ESP Exome Variant Server 0.00069; gnomAD exomes 0.00392 and 0.01716; 1000 Genomes Project 30x 0.01359; TOPMed 0.01568.
gnomAD v4.1: 7,111 of 1,613,728 alleles (0.44%); highest among the groups gnomAD compares: Admixed American, 11%; 399 homozygotes.

Submissions (7):

Labcorp Genetics (formerly Invitae), Labcorp
Classification: Benign. Last evaluated: 2026-02-04. Review status: criteria provided, single submitter. Criteria: Invitae Variant Classification Sherloc (09022015). Collection method: clinical testing. Allele origin: germline.

Ambry Genetics
Classification: Benign for Hereditary pulmonary alveolar proteinosis. Last evaluated: 2025-10-13. Review status: criteria provided, single submitter. Criteria: Ambry Variant Classification Scheme 2023. Collection method: clinical testing. Allele origin: germline.

Blueprint Genetics
Classification: Benign. Last evaluated: 2024-11-26. Review status: criteria provided, single submitter. Criteria: ACMG Guidelines, 2015. Collection method: clinical testing. Allele origin: germline.

GeneDx
Classification: Benign. Last evaluated: 2018-07-21. Review status: criteria provided, single submitter. Criteria: GeneDx Variant Classification Process June 2021. Collection method: clinical testing. Allele origin: germline. Affected: yes.

Illumina Laboratory Services, Illumina
Classification: Benign for Interstitial lung disease due to ABCA3 deficiency. Last evaluated: 2018-01-12. Review status: criteria provided, single submitter. Criteria: ICSL Variant Classification Criteria 13 December 2019. Collection method: clinical testing. Allele origin: germline.
Comment: This variant was observed in the ICSL laboratory as part of a predisposition screen in an ostensibly healthy population. It had not been previously curated by ICSL or reported in the Human Gene Mutation Database (HGMD: prior to June 1st, 2018), and was therefore a candidate for classification through an automated scoring system. Utilizing variant allele frequency, disease prevalence and penetrance estimates, and inheritance mode, an automated score was calculated to assess if this variant is too frequent to cause the disease. Based on the score and internal cut-off values, a variant classified as benign is not then subjected to further curation. The score for this variant resulted in a classification of benign for this disease.

Laboratory for Molecular Medicine, Mass General Brigham Personalized Medicine
Classification: Benign. Last evaluated: 2013-02-21. Review status: criteria provided, single submitter. Criteria: LMM Criteria. Collection method: clinical testing. Allele origin: germline. Observed: 1 variant allele.
Comment: 990+14C>T in intron 9 of ABCA3: This variant is not expected to have clinical si gnificance because it is not located within the conserved splice consensus seque nce. It has been identified in 12.9% (17/132) of Mexican chromosomes from a broa d population by the 1000 Genomes Project (NP; dbSNP rs185179294).

Breakthrough Genomics
Classification: Benign. Review status: criteria provided, single submitter. Criteria: ACMG Guidelines, 2015. Collection method: not provided. Allele origin: germline. Inheritance: Autosomal recessive inheritance. Affected: yes.

NM_001089.3(ABCA3):c.990+14C>T

Gene: ABCA3 (ATP binding cassette subfamily A member 3; minus strand). Cytogenetic location: 16p13.3.
Variant type: single nucleotide variant.
Coding change: c.990+14C>T on transcript NM_001089.3 (MANE Select); 14 bases into the intron after coding-DNA position 990, C replaced by T.
Molecular consequence: intron variant.
Genome position (GRCh38, 1-based): chr16:2,317,634, G>A on the plus strand (C>T on the coding strand, the complement: ABCA3 is on the minus strand). VCF-style: chr16-2317634-G-A. GRCh37 (hg19) VCF-style: chr16-2367635-G-A.
Identifiers: ClinVar variation 226454 (VCV000226454.19), dbSNP rs185179294, ClinGen allele CA7841432.
Genomic context (GRCh38, chr16:2,317,634, plus strand): 5'-CTTCCCAAGAGGGCCCTCCTGGGGTGCCCTGGCTCTCCCCGTCCTCACCAGAGCCCCACC[G>A]ACGCCATGCTCACCTTGACACAGAAGAGCAGGGTCATGAAGGAGGCGGCGATGAGGAGGA-3'